The following is an entry in ClinVar:

ClinVar aggregate classification (germline): Pathogenic (1 of 4 stars; one submission).

Conditions:
Duchenne muscular dystrophy (DMD). Also called: MUSCULAR DYSTROPHY, PSEUDOHYPERTROPHIC PROGRESSIVE, DUCHENNE TYPE; Duchenne Muscular Dystrophy (DMD). Identifiers: Orphanet 98896, MedGen C0013264, MONDO:0010679, OMIM 310200.

Submission:

Labcorp Genetics (formerly Invitae), Labcorp
Classification: Pathogenic for Duchenne muscular dystrophy. Last evaluated: 2024-03-26. Review status: criteria provided, single submitter. Criteria: Invitae Variant Classification Sherloc (09022015). Collection method: clinical testing. Allele origin: germline.
Comment: This sequence change creates a premature translational stop signal (p.Glu1293*) in the DMD gene. It is expected to result in an absent or disrupted protein product. Loss-of-function variants in DMD are known to be pathogenic (PMID: 16770791, 25007885). This variant is not present in population databases (gnomAD no frequency). This variant has not been reported in the literature in individuals affected with DMD-related conditions. Algorithms developed to predict the effect of sequence changes on RNA splicing suggest that this variant may disrupt the consensus splice site. For these reasons, this variant has been classified as Pathogenic.

Literature cited by the submitters: PubMed 16770791; PubMed 25007885.

NM_004006.3(DMD):c.3877G>T (p.Glu1293Ter)

Gene: DMD (dystrophin; minus strand). Cytogenetic location: Xp21.1.
Variant type: single nucleotide variant.
Coding change: c.3877G>T on transcript NM_004006.3 (MANE Select); coding-DNA position 3877, G replaced by T.
Protein change: p.Glu1293Ter; replaces glutamic acid 1293 with a stop codon.
Molecular consequence: nonsense.
Genome position (GRCh38, 1-based): chrX:32,441,224, C>A on the plus strand (G>T on the coding strand, the complement: DMD is on the minus strand). VCF-style: chrX-32441224-C-A. GRCh37 (hg19) VCF-style: chrX-32459341-C-A.
Other names: c.3853G>T, p.Glu1285Ter (NM_000109.4); c.3865G>T, p.Glu1289Ter (NM_004009.3); c.3508G>T, p.Glu1170Ter (NM_004010.3); short protein forms E1285*, E1289*, E1293*, E1170*.
Identifiers: ClinVar variation 3640879 (VCV003640879.2).